The following is an entry in ClinVar:

NM_001203.3(BMPR1B):c.300C>T (p.Asn100=)

Gene: BMPR1B (bone morphogenetic protein receptor type 1B; plus strand). Cytogenetic location: 4q22.3.
Variant type: single nucleotide variant.
Coding change: c.300C>T on transcript NM_001203.3 (MANE Select); coding-DNA position 300, C replaced by T.
Protein change: p.Asn100=; no amino-acid change (asparagine 100 retained).
Molecular consequence: synonymous variant.
Genome position (GRCh38, 1-based): chr4:95,115,738, C>T. VCF-style: chr4-95115738-C-T. GRCh37 (hg19) VCF-style: chr4-96036889-C-T.
Other names: c.300C>T, p.Asn100= (NM_001256792.2, NM_001256794.1); c.390C>T, p.Asn130= (NM_001256793.2).
Identifiers: ClinVar variation 532702 (VCV000532702.14), dbSNP rs140499888, ClinGen allele CA3014938.

ClinVar aggregate classification (germline): Benign/Likely benign. Review status: criteria provided, multiple submitters, no conflicts (2 of 4 stars). 2 submissions from 2 submitters: Benign (1); Likely benign (1). Last evaluated 2025-11-04.

Conditions:
Brachydactyly. Also called: Brachydactyly (disease); Brachydactyly syndrome. Identifiers: MedGen C0221357, MONDO:0021004, HP:0001156.
Acromesomelic dysplasia 3 (AMD3). Also called: CHONDRODYSPLASIA, ACROMESOMELIC, WITH OR WITHOUT GENITAL ANOMALIES; Acromesomelic dysplasia, Demirhan type. Identifiers: MedGen C4225404, MONDO:0012274, OMIM 609441.
Type A2 brachydactyly (BDA2). Also called: BRACHYMESOPHALANGY II; MOHR-WRIEDT TYPE BRACHYDACTYLY; Brachymesophalangy type 2. Identifiers: Orphanet 93396, MedGen C1832702, MONDO:0007216, OMIM 112600, HP:0009372.

Allele frequency attached by ClinVar (database versions not stated): gnomAD 0.00021 and 0.00030; gnomAD exomes 0.00021 and 0.00034; ExAC 0.00022; TOPMed 0.00028; ESP Exome Variant Server 0.00038.
gnomAD v4.1: 530 of 1,613,604 alleles (0.033%); highest among the groups gnomAD compares: Non-Finnish European, 0.042%; no homozygotes.

Submissions (2):

Labcorp Genetics (formerly Invitae), Labcorp
Classification: Likely benign for Type A2 brachydactyly; Acromesomelic dysplasia 3. Last evaluated: 2025-11-04. Review status: criteria provided, single submitter. Criteria: Invitae Variant Classification Sherloc (09022015). Collection method: clinical testing. Allele origin: germline.

Illumina Laboratory Services, Illumina
Classification: Benign for Brachydactyly. Last evaluated: 2017-04-28. Review status: criteria provided, single submitter. Criteria: ICSL Variant Classification Criteria 13 December 2019. Collection method: clinical testing. Allele origin: germline.
Comment: This variant was observed as part of a predisposition screen in an ostensibly healthy population. A literature search was performed for the gene, cDNA change, and amino acid change (where applicable). No publications were found based on this search. Allele frequency data from public databases was too high to be consistent with this variant causing disease. Therefore, this variant is classified as benign.